The following is an entry in ClinVar:

ClinVar aggregate classification (germline): Conflicting classifications of pathogenicity. Review status: criteria provided, conflicting classifications (1 of 4 stars). 5 submissions from 5 submitters: Uncertain significance (4); Likely benign (1). Last evaluated 2025-10-12.

Conditions:
Hereditary cancer-predisposing syndrome. Also called: Tumor predisposition; Hereditary Cancer Syndrome; Hereditary neoplastic syndrome; Neoplastic Syndromes, Hereditary. Identifiers: Orphanet 140162, MedGen C0027672, MeSH D009386, MONDO:0015356.
Hereditary breast ovarian cancer syndrome. Also called: Hereditary breast and ovarian cancer; Hereditary breast and/or ovarian cancer syndrome; BRCA1- and BRCA2-Associated Hereditary Breast and Ovarian Cancer; Hereditary breast and ovarian cancer syndrome; Hereditary breast and ovarian cancer syndrome (HBOC); Breast and ovarian cancer. Identifiers: Orphanet 145, MedGen C0677776, MeSH D061325, MONDO:0003582. Disease mechanism: loss of function.

Allele frequency attached by ClinVar (database versions not stated): gnomAD exomes below 0.00001; TOPMed below 0.00001; gnomAD 0.00001.
gnomAD v4.1: 1 of 1,606,268 alleles (0.000062%); highest among the groups gnomAD compares: Non-Finnish European, 0.000085%; no homozygotes.

Submissions (5):

Ambry Genetics
Classification: Uncertain significance for Hereditary cancer-predisposing syndrome. Last evaluated: 2025-10-12. Review status: criteria provided, single submitter. Criteria: Ambry Variant Classification Scheme 2023. Collection method: clinical testing. Allele origin: germline.
Comment: The p.F2130L variant (also known as c.6388T>C), located in coding exon 10 of the BRCA2 gene, results from a T to C substitution at nucleotide position 6388. The phenylalanine at codon 2130 is replaced by leucine, an amino acid with highly similar properties. This amino acid position is not well conserved in available vertebrate species. In addition, this alteration is predicted to be tolerated by in silico analysis. Since supporting evidence is limited at this time, the clinical significance of this alteration remains unclear.

Quest Diagnostics Nichols Institute San Juan Capistrano
Classification: Uncertain significance. Last evaluated: 2024-09-19. Review status: criteria provided, single submitter. Criteria: Quest Diagnostics criteria. Collection method: clinical testing. Allele origin: unknown.
Comment: The BRCA2 c.6388T>C (p.Phe2130Leu) variant has been reported in the published literature to be located in a region of the BRCA2 gene that is tolerant to missense sequence changes (PMID: 31911673 (2020)). To the best of our knowledge, this variant has not been reported in individuals with BRCA2-related disorders. The frequency of this variant in the general population, 0.0000041 (1/242050 chromosomes (Genome Aggregation Database)), is uninformative in the assessment of its pathogenicity. Analysis of this variant using bioinformatics tools for the prediction of the effect of amino acid changes on protein structure and function yielded predictions that this variant is benign. Based on the available information, we are unable to determine the clinical significance of this variant.

University of Washington Department of Laboratory Medicine, University of Washington
Classification: Likely benign for Hereditary cancer-predisposing syndrome. Last evaluated: 2023-03-23. Review status: criteria provided, single submitter. Criteria: Dines et al. (Genet Med. 2020). Collection method: curation. Allele origin: germline.
Comment: Missense variant in a coldspot region where missense variants are very unlikely to be pathogenic (PMID:31911673).

BRCA2 exon 11 coldspot. Reclassification based on statistical prior probability.

Color Diagnostics, LLC DBA Color Health
Classification: Uncertain significance for Hereditary cancer-predisposing syndrome. Last evaluated: 2019-06-27. Review status: criteria provided, single submitter. Criteria: ACMG Guidelines, 2015. Collection method: clinical testing. Allele origin: germline.

Labcorp Genetics (formerly Invitae), Labcorp
Classification: Uncertain significance for Hereditary breast ovarian cancer syndrome. Last evaluated: 2018-12-10. Review status: criteria provided, single submitter. Criteria: Invitae Variant Classification Sherloc (09022015). Collection method: clinical testing. Allele origin: germline.
Comment: This sequence change replaces phenylalanine with leucine at codon 2130 of the BRCA2 protein (p.Phe2130Leu). The phenylalanine residue is weakly conserved and there is a small physicochemical difference between phenylalanine and leucine. In summary, the available evidence is currently insufficient to determine the role of this variant in disease. Therefore, it has been classified as a Variant of Uncertain Significance. Algorithms developed to predict the effect of missense changes on protein structure and function output the following: SIFT: "Tolerated"; PolyPhen-2: "Benign"; Align-GVGD: "Class C0". The leucine amino acid residue is found in multiple mammalian species, suggesting that this missense change does not adversely affect protein function. These predictions have not been confirmed by published functional studies and their clinical significance is uncertain. This variant has not been reported in the literature in individuals with BRCA2-related disease. ClinVar contains an entry for this variant (Variation ID: 409536). This variant is not present in population databases (ExAC no frequency).

Literature cited by the submitters: PubMed 31911673 (cited by Quest Diagnostics Nichols Institute San Juan Capistrano).

NM_000059.4(BRCA2):c.6388T>C (p.Phe2130Leu)

Gene: BRCA2 (BRCA2 DNA repair associated; plus strand). Cytogenetic location: 13q13.1.
Variant type: single nucleotide variant.
Coding change: c.6388T>C on transcript NM_000059.4 (MANE Select); coding-DNA position 6388, T replaced by C.
Protein change: p.Phe2130Leu; replaces phenylalanine 2130 with leucine.
Molecular consequence: missense variant.
Genome position (GRCh38, 1-based): chr13:32,340,743, T>C. VCF-style: chr13-32340743-T-C. GRCh37 (hg19) VCF-style: chr13-32914880-T-C.
Other names: short protein forms F2130L.
Identifiers: ClinVar variation 409536 (VCV000409536.19), dbSNP rs929941099, ClinGen allele CA16613994.
Genomic context (GRCh38, chr13:32,340,743, plus strand): 5'-GATAAGAGAAACCCAGAGCACTGTGTAAACTCAGAAATGGAAAAAACCTGCAGTAAAGAA[T>C]TTAAATTATCAAATAACTTAAATGTTGAAGGTGGTTCTTCAGAAAATAATCACTCTATTA-3'
Protein context (NP_000050.3, residues 2120-2140): SEMEKTCSKE[Phe2130Leu]KLSNNLNVEG